The following is an entry in ClinVar:

NM_025137.4(SPG11):c.4301G>A (p.Ser1434Asn)

Genes: SPG11 (SPG11 vesicle trafficking associated, spatacsin; minus strand), LOC130056973 (ATAC-STARR-seq lymphoblastoid active region 9341; plus strand). Cytogenetic location: 15q21.1.
Variant type: single nucleotide variant.
Coding change: c.4301G>A on transcript NM_025137.4 (MANE Select); coding-DNA position 4301, G replaced by A.
Protein change: p.Ser1434Asn; replaces serine 1434 with asparagine.
Molecular consequence: missense variant.
Genome position (GRCh38, 1-based): chr15:44,596,216, C>T on the plus strand (G>A on the coding strand, the complement: SPG11 is on the minus strand). VCF-style: chr15-44596216-C-T. GRCh37 (hg19) VCF-style: chr15-44888414-C-T.
Other names: c.4301G>A, p.Ser1434Asn (NM_001160227.2, NM_001411132.1); short protein forms S1434N.
Identifiers: ClinVar variation 3364386 (VCV003364386.1).
Genomic context (GRCh38, chr15:44,596,216, plus strand): 5'-GAGTCTGGCTCCTCTGAGCATTGGAGCAGAATTTCAAATAAATCGGTCATCTCTTGTTTG[C>T]TTCCTTGAAGTTCCTGGGGGCACTTATTGCAGACTTGATCGCTGTCCATTTTGGAGGTGG-3'
Protein context (NP_079413.3, residues 1424-1444): CNKCPQELQG[Ser1434Asn]KQEMTDLFEI

ClinVar aggregate classification (germline): Uncertain significance (1 of 4 stars; one submission).

Submission:

GeneDx
Classification: Uncertain significance. Last evaluated: 2023-11-20. Review status: criteria provided, single submitter. Criteria: GeneDx Variant Classification Process June 2021. Collection method: clinical testing. Allele origin: germline. Affected: yes.
Comment: Not observed at significant frequency in large population cohorts (gnomAD); In silico analysis supports that this missense variant does not alter protein structure/function; Has not been previously published as pathogenic or benign to our knowledge